The following is an entry in ClinVar:

ClinVar aggregate classification (germline): Uncertain significance (1 of 4 stars; one submission).

Conditions:
Neurodevelopmental, jaw, eye, and digital syndrome (NEDJED). Identifiers: MedGen C5394477, MONDO:0030057, OMIM 618914.

Submission:

Neuberg Centre For Genomic Medicine, NCGM
Classification: Uncertain significance for Neurodevelopmental, jaw, eye, and digital syndrome. Last evaluated: 2023-06-22. Review status: criteria provided, single submitter. Criteria: ACMG Guidelines, 2015. Collection method: clinical testing. Allele origin: germline. Inheritance: Autosomal dominant inheritance. Affected: yes.
Comment: The observed missense c.488G>Ap.Arg163Lys variant in FBXW11 gene has not been reported previously as a pathogenic variant nor as a benign variant, to our knowledge. This variant is absent in gnomAD Exomes. The amino acid Arg at position 163 is changed to a Lys changing protein sequence and it might alter its composition and physico-chemical properties. The amino acid change p.Arg163Lys in FBXW11 is predicted as conserved by GERP++ and PhyloP across 100 vertebrates. Computational evidence Polyphen - Benign, SIFT - Tolerated, and MutationTaster - Disease causing predicts conflicting evidence on protein structure and function for this variant. For these reasons, this variant has been classified as Uncertain Significance.

NM_001378974.1(FBXW11):c.488G>A (p.Arg163Lys)

Gene: FBXW11 (F-box and WD repeat domain containing 11; minus strand). Cytogenetic location: 5q35.1.
Variant type: single nucleotide variant.
Coding change: c.488G>A on transcript NM_001378974.1 (MANE Select); coding-DNA position 488, G replaced by A.
Protein change: p.Arg163Lys; replaces arginine 163 with lysine.
Molecular consequence: missense variant.
Genome position (GRCh38, 1-based): chr5:171,900,049, C>T on the plus strand (G>A on the coding strand, the complement: FBXW11 is on the minus strand). VCF-style: chr5-171900049-C-T. GRCh37 (hg19) VCF-style: chr5-171327053-C-T.
Other names: c.419G>A, p.Arg140Lys (NM_001378975.1); c.392G>A, p.Arg131Lys (NM_001378976.1); c.329G>A, p.Arg110Lys (NM_001378977.1, NM_001378978.1, NM_001378979.1); c.323G>A, p.Arg108Lys (NM_001378980.1, NM_033645.3); c.425G>A, p.Arg142Lys (NM_012300.3); c.386G>A, p.Arg129Lys (NM_033644.3); short protein forms R108K, R110K, R129K, R131K, R140K, R142K, R163K.
Identifiers: ClinVar variation 3391188 (VCV003391188.1).
Genomic context (GRCh38, chr5:171,900,049, plus strand): 5'-ATTCCTTCTGAGATCACTCGCTGCCATTCTTTACATACCAGCTCTGCTGCACACAGAGAC[C>T]TGGCATCCAGGTACGAAAGAATGTTTTCTGCTATGTGATCTAAGCCTTGCTCTACAAAAC-3'
Protein context (NP_001365903.1, residues 153-173): AENILSYLDA[Arg163Lys]SLCAAELVCK